The following is an entry in ClinVar:

ClinVar aggregate classification (germline): Uncertain significance (1 of 4 stars; one submission).

Allele frequency attached by ClinVar (database versions not stated): ExAC 0.00002.
gnomAD v4.1: 1 of 1,598,566 alleles (0.000063%); highest among the groups gnomAD compares: Non-Finnish European, 0.000085%; no homozygotes.

Submission:

Labcorp Genetics (formerly Invitae), Labcorp
Classification: Uncertain significance. Last evaluated: 2022-12-23. Review status: criteria provided, single submitter. Criteria: Invitae Variant Classification Sherloc (09022015). Collection method: clinical testing. Allele origin: germline.
Comment: This sequence change replaces asparagine, which is neutral and polar, with lysine, which is basic and polar, at codon 23 of the CACNA2D4 protein (p.Asn23Lys). This variant is present in population databases (rs758939053, gnomAD 0.001%). This variant has not been reported in the literature in individuals affected with CACNA2D4-related conditions. Algorithms developed to predict the effect of missense changes on protein structure and function output the following: SIFT: "Tolerated"; PolyPhen-2: "Benign"; Align-GVGD: "Class C0". The lysine amino acid residue is found in multiple mammalian species, which suggests that this missense change does not adversely affect protein function. In summary, the available evidence is currently insufficient to determine the role of this variant in disease. Therefore, it has been classified as a Variant of Uncertain Significance.

NM_172364.5(CACNA2D4):c.69C>G (p.Asn23Lys)

Gene: CACNA2D4 (calcium voltage-gated channel auxiliary subunit alpha2delta 4; minus strand). Cytogenetic location: 12p13.33.
Variant type: single nucleotide variant.
Coding change: c.69C>G on transcript NM_172364.5 (MANE Select); coding-DNA position 69, C replaced by G.
Protein change: p.Asn23Lys; replaces asparagine 23 with lysine.
Molecular consequence: missense variant.
Genome position (GRCh38, 1-based): chr12:1,918,405, G>C on the plus strand (C>G on the coding strand, the complement: CACNA2D4 is on the minus strand). VCF-style: chr12-1918405-G-C. GRCh37 (hg19) VCF-style: chr12-2027571-G-C.
Other names: short protein forms N23K.
Identifiers: ClinVar variation 2001517 (VCV002001517.4), dbSNP rs758939053, ClinGen allele CA6387690.